The following is an entry in ClinVar:

NM_003482.4(KMT2D):c.1952C>T (p.Ser651Leu)

Gene: KMT2D (lysine methyltransferase 2D; minus strand). Cytogenetic location: 12q13.12.
Variant type: single nucleotide variant.
Coding change: c.1952C>T on transcript NM_003482.4 (MANE Select); coding-DNA position 1952, C replaced by T.
Protein change: p.Ser651Leu; replaces serine 651 with leucine.
Molecular consequence: missense variant.
Genome position (GRCh38, 1-based): chr12:49,051,731, G>A on the plus strand (C>T on the coding strand, the complement: KMT2D is on the minus strand). VCF-style: chr12-49051731-G-A. GRCh37 (hg19) VCF-style: chr12-49445514-G-A.
Other names: short protein forms S651L.
Identifiers: ClinVar variation 2158603 (VCV002158603.5), dbSNP rs1356632640, ClinGen allele CA384669600.

ClinVar aggregate classification (germline): Uncertain significance. Review status: criteria provided, multiple submitters, no conflicts (2 of 4 stars). 2 submissions from 2 submitters: Uncertain significance (2). Last evaluated 2022-12-04.

Conditions:
KMT2D-related disorder. Also called: KMT2D-Related Disorders.
Kabuki syndrome. Also called: NIIKAWA-KUROKI SYNDROME; Kabuki make-up syndrome. Identifiers: Orphanet 2322, MedGen C0796004, MONDO:0016512.

Allele frequency attached by ClinVar (database versions not stated): gnomAD exomes below 0.00001; gnomAD 0.00002.

Submissions (2):

Labcorp Genetics (formerly Invitae), Labcorp
Classification: Uncertain significance for Kabuki syndrome. Last evaluated: 2022-12-04. Review status: criteria provided, single submitter. Criteria: Invitae Variant Classification Sherloc (09022015). Collection method: clinical testing. Allele origin: germline.
Comment: This sequence change replaces serine, which is neutral and polar, with leucine, which is neutral and non-polar, at codon 651 of the KMT2D protein (p.Ser651Leu). In summary, the available evidence is currently insufficient to determine the role of this variant in disease. Therefore, it has been classified as a Variant of Uncertain Significance. Advanced modeling of protein sequence and biophysical properties (such as structural, functional, and spatial information, amino acid conservation, physicochemical variation, residue mobility, and thermodynamic stability) performed at Invitae indicates that this missense variant is not expected to disrupt KMT2D protein function. This variant has not been reported in the literature in individuals affected with KMT2D-related conditions. This variant is not present in population databases (gnomAD no frequency).

PreventionGenetics, part of Exact Sciences
Classification: Uncertain significance for KMT2D-related condition. Last evaluated: 2022-08-18. Review status: criteria provided, single submitter. Criteria: ACMG Guidelines, 2015. Collection method: clinical testing. Allele origin: germline.
Comment: The KMT2D c.1952C>T variant is predicted to result in the amino acid substitution p.Ser651Leu. To our knowledge, this variant has not been reported in the literature or in a large population database, indicating this variant is rare. At this time, the clinical significance of this variant is uncertain due to the absence of conclusive functional and genetic evidence.